The following is an entry in ClinVar:

NM_015192.4(PLCB1):c.707G>A (p.Ser236Asn)

Gene: PLCB1 (phospholipase C beta 1; plus strand). Cytogenetic location: 20p12.3.
Variant type: single nucleotide variant.
Coding change: c.707G>A on transcript NM_015192.4 (MANE Select); coding-DNA position 707, G replaced by A.
Protein change: p.Ser236Asn; replaces serine 236 with asparagine.
Molecular consequence: missense variant.
Genome position (GRCh38, 1-based): chr20:8,658,549, G>A. VCF-style: chr20-8658549-G-A. GRCh37 (hg19) VCF-style: chr20-8639196-G-A.
Other names: c.707G>A, p.Ser236Asn (NM_182734.3); short protein forms S236N.
Identifiers: ClinVar variation 1163638 (VCV001163638.7), dbSNP rs1367561790, ClinGen allele CA408264061.

ClinVar aggregate classification (germline): Uncertain significance. Review status: criteria provided, multiple submitters, no conflicts (2 of 4 stars). 2 submissions from 2 submitters: Uncertain significance (2). Last evaluated 2019-05-20.

Conditions:
Inborn genetic diseases. Identifiers: MedGen C0950123, MeSH D030342.

Allele frequency attached by ClinVar (database versions not stated): gnomAD 0.00001; TOPMed below 0.00001.
gnomAD v4.1: 2 of 1,597,380 alleles (0.00013%); highest among the groups gnomAD compares: Non-Finnish European, 0.000085%; no homozygotes.

Submissions (2):

Mayo Clinic Laboratories, Mayo Clinic
Classification: Uncertain significance. Last evaluated: 2019-05-20. Review status: criteria provided, single submitter. Criteria: ACMG Guidelines, 2015. Collection method: clinical testing. Allele origin: germline. Observed: 1 variant allele.

Ambry Genetics
Classification: Uncertain significance for Inborn genetic diseases. Last evaluated: 2019-03-13. Review status: criteria provided, single submitter. Criteria: Ambry Variant Classification Scheme 2023. Collection method: clinical testing. Allele origin: germline.
Comment: The p.S236N variant (also known as c.707G>A), located in coding exon 9 of the PLCB1 gene, results from a G to A substitution at nucleotide position 707. The serine at codon 236 is replaced by asparagine, an amino acid with highly similar properties. This amino acid position is well conserved in available vertebrate species. In addition, this alteration is predicted to be tolerated by in silico analysis. Since supporting evidence is limited at this time, the clinical significance of this alteration remains unclear.